The following is an entry in ClinVar:

NM_000459.5(TEK):c.1910-6T>A

Gene: TEK (TEK receptor tyrosine kinase; plus strand). Cytogenetic location: 9p21.2.
Variant type: single nucleotide variant.
Coding change: c.1910-6T>A on transcript NM_000459.5 (MANE Select); 6 bases into the intron before coding-DNA position 1910, T replaced by A.
Molecular consequence: intron variant.
Genome position (GRCh38, 1-based): chr9:27,202,814, T>A. VCF-style: chr9-27202814-T-A. GRCh37 (hg19) VCF-style: chr9-27202812-T-A.
Other names: p.?; c.1781-6T>A (NM_001290077.2, NM_001375476.1); c.1469-6T>A (NM_001290078.2); c.1910-6T>A (NM_001375475.1).
Identifiers: ClinVar variation 4683374 (VCV004683374.1).

ClinVar aggregate classification (germline): Likely benign (1 of 4 stars; one submission).

gnomAD v4.1: 9 of 1,613,794 alleles (0.00056%); highest among the groups gnomAD compares: Admixed American, 0.015%; no homozygotes.

Submission:

Mayo Clinic Laboratories, Mayo Clinic
Classification: Likely benign. Last evaluated: 2025-05-20. Review status: criteria provided, single submitter. Criteria: ACMG Guidelines, 2015. Collection method: clinical testing. Allele origin: germline. Observed: 1 variant allele.
Comment: BP4, BP7